The following continues an entry in ClinVar:

NM_002834.5(PTPN11):c.923A>C (p.Asn308Thr)

Gene: PTPN11. ClinVar aggregate classification (germline): Pathogenic/Likely pathogenic. Pathogenic (13); Likely pathogenic (1).

Submissions 12 to 15 of 15:

ARUP Laboratories, Molecular Genetics and Genomics, ARUP Laboratories
Classification: Pathogenic. Review status: criteria provided, single submitter. Criteria: ARUP Molecular Germline Variant Investigation Process 2024. Collection method: clinical testing. Allele origin: germline.
Comment: The PTPN11 c.923A>C; p.Asn308Thr variant (rs121918455, ClinVar Variation ID: 40535), is reported in the literature in several individuals with a clinical diagnosis of Noonan syndrome (Boleti 2023, Daoud 2019, Liu 2022, McCallen 2019, Ndiaye 2014, Pierpont 2009, Shoji 2019, Tartaglia 2006, Weaver 2022, Zenker 2004). This variant is absent from the Genome Aggregation Database (v2.1.1), indicating it is not a common polymorphism. Computational analyses predict that this variant is deleterious (REVEL: 0.941). Additionally, other variants at this codon (c.922A>G, p.Asn308Asp; c.923A>G, p.Asn308Ser) have been reported in individuals with Noonan syndrome and are considered pathogenic (Tartaglia 2001, Tartaglia 2002). Based on available information, this variant is considered to be pathogenic. References: Boleti OD et al. Sudden cardiac death in childhood RASopathy-associated hypertrophic cardiomyopathy: Validation of the HCM risk-kids model and predictors of events. Int J Cardiol. 2023 Dec 15;393:131405. PMID: 37777071. Daoud E, Zwick D. Noonan Syndrome Case Report: PTPN11 and Other Potential Genetic Factors Contributing to Lethal Hypertrophic Right Ventricular Cardiomyopathy. Pediatr Dev Pathol. 2019 Jul-Aug;22(4):386-390. PMID: 30665336. Liu M et al. Genetics etiologies and genotype phenotype correlations in a cohort of individuals with central conducting lymphatic anomaly. Eur J Hum Genet. 2022 Sep;30(9):1022-1028. PMID: 35606495. McCallen LM et al. Cardiac transplantation in children with Noonan syndrome. Pediatr Transplant. 2019 Sep;23(6):e13535. PMID: 31259454. Ndiaye R et al. Mutation N308T of protein tyrosine phosphatase SHP-2in two Senegalese patients with Noonan syndrome. J Med Genet Gen. 2014 6(1): 6-10. Pierpont EI et al. Genotype differences in cognitive functioning in Noonan syndrome. Genes Brain Behav. 2009 Apr;8(3):275-82. PMID: 19077116. Shoji Y et al. Genotype-phenotype correlation analysis in Japanese patients with Noonan syndrome. Endocr J. 2019 Nov 28;66(11):983-994. PMID: 31292302. Tartaglia M et al. Diversity and functional consequences of germline and somatic PTPN11 mutations in human disease. Am J Hum Genet. 2006 Feb;78(2):279-90. PMID: 16358218. Tartaglia M et al. Mutations in PTPN11, encoding the protein tyrosine phosphatase SHP-2, cause Noonan syndrome. Nat Genet. 2001 Dec;29(4):465-8. PMID: 11704759. Tartaglia M et al. PTPN11 mutations in Noonan syndrome: molecular spectrum, genotype-phenotype correlation, and phenotypic heterogeneity. Am J Hum Genet. 2002 Jun;70(6):1555-63. PMID: 11992261. Weaver KN et al. Prevalence of Genetic Diagnoses in a Cohort With Valvar Pulmonary Stenosis. Circ Genom Precis Med. 2022 Aug;15(4):e003635. PMID: 35666834. Zenker M et al. Genotype-phenotype correlations in Noonan syndrome. J Pediatr. 2004 Mar;144(3):368-74. PMID: 15001945.

Clinical Genetics Service, Universitary Hospital 12 de Octubre
Classification: Pathogenic for Noonan syndrome 1. Review status: criteria provided, single submitter. Criteria: ACMG Guidelines, 2015. Collection method: clinical testing. Allele origin: germline. Affected: yes.

Juno Genomics, Hangzhou Juno Genomics, Inc
Classification: Pathogenic for LEOPARD syndrome 1. Review status: criteria provided, single submitter. Criteria: ACMG Guidelines, 2015. Collection method: clinical testing. Allele origin: germline. Affected: yes.
Comment: Absent from controls (or at extremely low frequency if recessive) in Genome Aggregation Database, Exome Sequencing Project, 1000 Genomes Project, or Exome Aggregation Consortium.;The prevalence of the variant in affected individuals is significantly increased compared to the prevalence in controls.;Multiple lines of computational evidence support a deleterious effect on the gene or gene product (conservation, evolutionary, splicing impact, etc).;Novel missense change at an amino acid residue where a different missense change determined to be pathogenic has been seen before.;Missense variant in a gene that has a low rate of benign missense variation and where missense variants are a common mechanism of disease.

PreventionGenetics, part of Exact Sciences
Classification: Pathogenic for PTPN11-related condition. Last evaluated: 2024-01-17. Review status: no assertion criteria provided. Collection method: clinical testing. Allele origin: germline. Not counted in ClinVar's aggregate classification.
Comment: The PTPN11 c.923A>C variant is predicted to result in the amino acid substitution p.Asn308Thr. This variant has been reported in at least four individuals with Noonan syndrome (Tartaglia et al. 2005. PubMed ID: 16358218; Pierpont et al. 2008. PubMed ID: 19077116; Table S9 - Jin et al. 2017. PubMed ID: 28991257). Additionally, this variant has been reported in three affected fetuses with features consistent with Noonan syndrome (Lee et al. 2008. PubMed ID: 18759865; Wilbe et al. 2017. PubMed ID: 28921562). Both de novo inheritance and gonadal mosaicism have been documented (Wilbe et al. 2017. PubMed ID: 28921562; Table S9 - Jin et al. 2017. PubMed ID: 28991257). This variant has not been reported in a large population database, indicating this variant is rare. Different amino acid substitutions (p.Asn308Asp and p.Asn308Ser) affecting the same amino acid have been reported as pathogenic (Human Gene Mutation Database). This variant is interpreted as pathogenic.

Literature cited by the submitters: PubMed 11992261 (cited by Mayo Clinic Laboratories, Mayo Clinic and Labcorp Genetics (formerly Invitae), Labcorp); PubMed 15001945 (cited by 3 submitters); PubMed 16358218 (cited by 5 submitters); PubMed 18759865 (cited by Mayo Clinic Laboratories, Mayo Clinic and Women's Health and Genetics/Laboratory Corporation of America, LabCorp); PubMed 19077116 (cited by 5 submitters); PubMed 21340158 (cited by Mayo Clinic Laboratories, Mayo Clinic and Labcorp Genetics (formerly Invitae), Labcorp); PubMed 28921562 (cited by 3 submitters); PubMed 28991257 (cited by 3 submitters); PubMed 29057136 (cited by Mayo Clinic Laboratories, Mayo Clinic); PubMed 33318624 (cited by Mayo Clinic Laboratories, Mayo Clinic).